The following is an entry in ClinVar:

ClinVar aggregate classification (germline): Uncertain significance. Review status: criteria provided, multiple submitters, no conflicts (2 of 4 stars). 2 submissions from 2 submitters: Uncertain significance (2). Last evaluated 2025-01-16.

Allele frequency attached by ClinVar (database versions not stated): ExAC 0.00002.
gnomAD v4.1: 15 of 1,613,822 alleles (0.00093%); highest among the groups gnomAD compares: East Asian, 0.0045%; no homozygotes.

Submissions (2):

Ambry Genetics
Classification: Uncertain significance. Last evaluated: 2025-01-16. Review status: criteria provided, single submitter. Criteria: Ambry Variant Classification Scheme 2023. Collection method: clinical testing. Allele origin: germline.
Comment: The p.R642Q variant (also known as c.1925G>A), located in coding exon 10 of the ATRIP gene, results from a G to A substitution at nucleotide position 1925. The arginine at codon 642 is replaced by glutamine, an amino acid with highly similar properties. This amino acid position is conserved. In addition, this alteration is predicted to be tolerated by in silico analysis. Based on the available evidence, the clinical significance of this variant remains unclear.

Labcorp Genetics (formerly Invitae), Labcorp
Classification: Uncertain significance. Last evaluated: 2024-08-27. Review status: criteria provided, single submitter. Criteria: Invitae Variant Classification Sherloc (09022015). Collection method: clinical testing. Allele origin: germline.
Comment: This sequence change replaces arginine, which is basic and polar, with glutamine, which is neutral and polar, at codon 642 of the ATRIP protein (p.Arg642Gln). This variant is present in population databases (rs757261402, gnomAD 0.01%). This variant has not been reported in the literature in individuals affected with ATRIP-related conditions. ClinVar contains an entry for this variant (Variation ID: 2308722). An algorithm developed to predict the effect of missense changes on protein structure and function (PolyPhen-2) suggests that this variant is likely to be disruptive. In summary, the available evidence is currently insufficient to determine the role of this variant in disease. Therefore, it has been classified as a Variant of Uncertain Significance.

NM_130384.3(ATRIP):c.1925G>A (p.Arg642Gln)

Genes: ATRIP (ATR interacting protein; plus strand), ATRIP-TREX1 (ATRIP-TREX1 readthrough; plus strand). Cytogenetic location: 3p21.31.
Variant type: single nucleotide variant.
Coding change: c.1925G>A on transcript NM_130384.3 (MANE Select); coding-DNA position 1925, G replaced by A.
Protein change: p.Arg642Gln; replaces arginine 642 with glutamine.
Molecular consequence: missense variant. On other transcripts: non-coding transcript variant (1).
Genome position (GRCh38, 1-based): chr3:48,464,083, G>A. VCF-style: chr3-48464083-G-A. GRCh37 (hg19) VCF-style: chr3-48505482-G-A.
Other names: c.1544G>A, p.Arg515Gln (NM_001271022.2); c.1646G>A, p.Arg549Gln (NM_001271023.2); c.1925G>A, p.Arg642Gln (NM_032166.4); short protein forms R515Q, R549Q, R642Q.
Identifiers: ClinVar variation 2308722 (VCV002308722.5), dbSNP rs757261402, ClinGen allele CA2376322.
Genomic context (GRCh38, chr3:48,464,083, plus strand): 5'-GTGCGCTGTCCTTTTCAGAAGGCTGCCTCCTGCTGCTGCTGTACATGTACATCACATCAC[G>A]GCCTGACAGAGTGGCCTTGGAGACACAATGGCTCCAGCTGGAACAAGAGGTAAAAACTCC-3'
Protein context (NP_569055.1, residues 632-652): LLLLYMYITS[Arg642Gln]PDRVALETQW